The following is an entry in ClinVar:

NM_004994.3(MMP9):c.521A>G (p.Glu174Gly)

Gene: MMP9 (matrix metallopeptidase 9; plus strand). Cytogenetic location: 20q13.12.
Variant type: single nucleotide variant.
Coding change: c.521A>G on transcript NM_004994.3 (MANE Select); coding-DNA position 521, A replaced by G.
Protein change: p.Glu174Gly; replaces glutamic acid 174 with glycine.
Molecular consequence: missense variant.
Genome position (GRCh38, 1-based): chr20:46,010,922, A>G. VCF-style: chr20-46010922-A-G. GRCh37 (hg19) VCF-style: chr20-44639561-A-G.
Other names: short protein forms E174G.
Identifiers: ClinVar variation 1505237 (VCV001505237.8), dbSNP rs371298738, ClinGen allele CA9886429.

ClinVar aggregate classification (germline): Uncertain significance (1 of 4 stars; one submission).

Allele frequency attached by ClinVar (database versions not stated): TOPMed 0.00001; gnomAD exomes 0.00002 and 0.00003; ExAC 0.00003; ESP Exome Variant Server 0.00008.

Submission:

Labcorp Genetics (formerly Invitae), Labcorp
Classification: Uncertain significance. Last evaluated: 2025-04-24. Review status: criteria provided, single submitter. Criteria: Invitae Variant Classification Sherloc (09022015). Collection method: clinical testing. Allele origin: germline.
Comment: This sequence change replaces glutamic acid, which is acidic and polar, with glycine, which is neutral and non-polar, at codon 174 of the MMP9 protein (p.Glu174Gly). This variant is present in population databases (rs371298738, gnomAD 0.004%). This variant has not been reported in the literature in individuals affected with MMP9-related conditions. ClinVar contains an entry for this variant (Variation ID: 1505237). An algorithm developed to predict the effect of missense changes on protein structure and function (PolyPhen-2) suggests that this variant is likely to be disruptive. In summary, the available evidence is currently insufficient to determine the role of this variant in disease. Therefore, it has been classified as a Variant of Uncertain Significance.